The following is an entry in ClinVar:

NM_014822.4(SEC24D):c.83A>C (p.His28Pro)

Gene: SEC24D (SEC24 homolog D, COPII coat complex component; minus strand). Cytogenetic location: 4q26.
Variant type: single nucleotide variant.
Coding change: c.83A>C on transcript NM_014822.4 (MANE Select); coding-DNA position 83, A replaced by C.
Protein change: p.His28Pro; replaces histidine 28 with proline.
Molecular consequence: missense variant.
Genome position (GRCh38, 1-based): chr4:118,833,614, T>G on the plus strand (A>C on the coding strand, the complement: SEC24D is on the minus strand). VCF-style: chr4-118833614-T-G. GRCh37 (hg19) VCF-style: chr4-119754769-T-G.
Other names: c.83A>C, p.His28Pro (NM_001318066.2); short protein forms H28P.
Identifiers: ClinVar variation 3359429 (VCV003359429.1).
Genomic context (GRCh38, chr4:118,833,614, plus strand): 5'-TACAAGTCAAAATAACACACTGTACCTGTTGGAGATGCTGTGTGCGACGGATCCCCATAG[T>G]GCCCATAATGAGGTGGAGAAAGGCCTATTCCAGGCTGAGGCTGAGAATACGGAGGTGTAG-3'
Protein context (NP_055637.2, residues 18-38): GIGLSPPHYG[His28Pro]YGDPSHTASP

ClinVar aggregate classification (germline): Uncertain significance (1 of 4 stars; one submission).

Submission:

GeneDx
Classification: Uncertain significance. Last evaluated: 2023-06-02. Review status: criteria provided, single submitter. Criteria: GeneDx Variant Classification Process June 2021. Collection method: clinical testing. Allele origin: germline. Affected: yes.
Comment: Not observed at significant frequency in large population cohorts (gnomAD); In silico analysis supports that this missense variant has a deleterious effect on protein structure/function; Has not been previously published as pathogenic or benign to our knowledge